The following is an entry in ClinVar:

ClinVar aggregate classification (germline): Likely benign (0 of 4 stars; one submission).

Conditions:
KSR2-related disorder. Also called: KSR2-related condition.

Submission:

PreventionGenetics, part of Exact Sciences
Classification: Likely benign for KSR2-related condition. Last evaluated: 2024-05-31. Review status: no assertion criteria provided. Collection method: clinical testing. Allele origin: germline.
Comment: This variant is classified as likely benign based on ACMG/AMP sequence variant interpretation guidelines (Richards et al. 2015 PMID: 25741868, with internal and published modifications).

NM_173598.6(KSR2):c.2490C>T (p.Cys830=)

Gene: KSR2 (kinase suppressor of ras 2; minus strand). Cytogenetic location: 12q24.22.
Variant type: single nucleotide variant.
Coding change: c.2490C>T on transcript NM_173598.6 (MANE Select); coding-DNA position 2490, C replaced by T.
Protein change: p.Cys830=; no amino-acid change (cysteine 830 retained).
Molecular consequence: synonymous variant.
Genome position (GRCh38, 1-based): chr12:117,476,556, G>A on the plus strand (C>T on the coding strand, the complement: KSR2 is on the minus strand). VCF-style: chr12-117476556-G-A. GRCh37 (hg19) VCF-style: chr12-117914361-G-A.
Identifiers: ClinVar variation 3346380 (VCV003346380.1).